The following is an entry in ClinVar:

ClinVar aggregate classification (germline): Uncertain significance. Review status: criteria provided, single submitter (1 of 4 stars). 2 submissions from 2 submitters: Uncertain significance (1). 1 of the submissions does not count toward it. Last evaluated 2025-09-03.

Conditions:
Hereditary spastic paraplegia 49 (HSAN9). Also called: Spastic paraplegia 49, autosomal recessive; NEUROPATHY, HEREDITARY SENSORY AND AUTONOMIC, TYPE IX, WITH DEVELOPMENTAL DELAY; TECPR2-Related Hereditary Sensory and Autonomic Neuropathy with Intellectual Disability. Identifiers: Orphanet 320385, MedGen C5190860, MONDO:0014016, OMIM 615031.

Allele frequency attached by ClinVar (database versions not stated): gnomAD below 0.00001 and 0.00001; TOPMed 0.00001; gnomAD exomes 0.00004 and 0.00008; ExAC 0.00009.
gnomAD v4.1: 61 of 1,613,532 alleles (0.0038%); highest among the groups gnomAD compares: South Asian, 0.063%; no homozygotes.

Submissions (2):

Mayo Clinic Laboratories, Mayo Clinic
Classification: Uncertain significance. Last evaluated: 2025-09-03. Review status: criteria provided, single submitter. Criteria: ACMG Guidelines, 2015. Collection method: clinical testing. Allele origin: germline. Observed: 1 variant allele.
Comment: BP4_strong

Natera, Inc.
Classification: Likely benign for Autosomal recessive spastic paraplegia type 49. Last evaluated: 2020-10-07. Review status: no assertion criteria provided. Collection method: clinical testing. Allele origin: germline. Not counted in ClinVar's aggregate classification.

NM_014844.5(TECPR2):c.1925T>A (p.Val642Asp)

Gene: TECPR2 (tectonin beta-propeller repeat containing 2; plus strand). Cytogenetic location: 14q32.31.
Variant type: single nucleotide variant.
Coding change: c.1925T>A on transcript NM_014844.5 (MANE Select); coding-DNA position 1925, T replaced by A.
Protein change: p.Val642Asp; replaces valine 642 with aspartic acid.
Molecular consequence: missense variant.
Genome position (GRCh38, 1-based): chr14:102,434,742, T>A. VCF-style: chr14-102434742-T-A. GRCh37 (hg19) VCF-style: chr14-102901079-T-A.
Other names: p.Val642Asp; c.1925T>A, p.Val642Asp (NM_001172631.3); short protein forms V642D.
Identifiers: ClinVar variation 989674 (VCV000989674.2), dbSNP rs746442659, ClinGen allele CA7357814.